The following is an entry in ClinVar:

NM_000302.4(PLOD1):c.212C>T (p.Ser71Leu)

Gene: PLOD1 (procollagen-lysine,2-oxoglutarate 5-dioxygenase 1; plus strand). Cytogenetic location: 1p36.22.
Variant type: single nucleotide variant.
Coding change: c.212C>T on transcript NM_000302.4 (MANE Select); coding-DNA position 212, C replaced by T.
Protein change: p.Ser71Leu; replaces serine 71 with leucine.
Molecular consequence: missense variant.
Genome position (GRCh38, 1-based): chr1:11,949,816, C>T. VCF-style: chr1-11949816-C-T. GRCh37 (hg19) VCF-style: chr1-12009873-C-T.
Other names: c.353C>T, p.Ser118Leu (NM_001316320.2); short protein forms S118L, S71L.
Identifiers: ClinVar variation 1430625 (VCV001430625.5), dbSNP rs2100743367, ClinGen allele CA338426259.
Genomic context (GRCh38, chr1:11,949,816, plus strand): 5'-GGGGTGTTTCTCTCCAGGCGCTTGGCCTAGGGGAGGACTGGAATGTGGAGAAGGGGACGT[C>T]GGCAGGTGGAGGGCAGAAGGTCCGGCTGCTGAAGAAAGCTCTGGAGAAGCACGCAGACAA-3'
Protein context (NP_000293.2, residues 61-81): GEDWNVEKGT[Ser71Leu]AGGGQKVRLL

ClinVar aggregate classification (germline): Uncertain significance (1 of 4 stars; one submission).

Conditions:
Ehlers-Danlos syndrome, kyphoscoliotic type 1 (EDSKSCL1). Also called: Ehlers-Danlos syndrome, hydroxylysine-deficient; EHLERS-DANLOS SYNDROME, TYPE VIA; EHLERS-DANLOS SYNDROME, OCULAR-SCOLIOTIC TYPE; PLOD1-Related Kyphoscoliotic Ehlers-Danlos Syndrome. Identifiers: Orphanet 1900, MedGen C0268342, MONDO:0016002, OMIM 225400. Disease mechanism: loss of function.

Allele frequency attached by ClinVar (database versions not stated): gnomAD exomes below 0.00001.
gnomAD v4.1: 1 of 1,613,922 alleles (0.000062%); highest among the groups gnomAD compares: East Asian, 0.0022%; no homozygotes.

Submission:

Labcorp Genetics (formerly Invitae), Labcorp
Classification: Uncertain significance for Ehlers-Danlos syndrome, kyphoscoliotic type 1. Last evaluated: 2021-09-01. Review status: criteria provided, single submitter. Criteria: Invitae Variant Classification Sherloc (09022015). Collection method: clinical testing. Allele origin: germline.
Comment: This sequence change replaces serine with leucine at codon 71 of the PLOD1 protein (p.Ser71Leu). The serine residue is weakly conserved and there is a large physicochemical difference between serine and leucine. This variant is not present in population databases (ExAC no frequency). This variant has not been reported in the literature in individuals affected with PLOD1-related conditions. Algorithms developed to predict the effect of missense changes on protein structure and function output the following: SIFT: "Tolerated"; PolyPhen-2: "Benign"; Align-GVGD: "Class C0". The leucine amino acid residue is found in multiple mammalian species, which suggests that this missense change does not adversely affect protein function. In summary, the available evidence is currently insufficient to determine the role of this variant in disease. Therefore, it has been classified as a Variant of Uncertain Significance.